The following is an entry in ClinVar:

ClinVar aggregate classification (germline): Uncertain significance (1 of 4 stars; one submission).

Conditions:
Melanoma, cutaneous malignant, susceptibility to, 5. Also called: Cutaneous malignant melanoma 5. Identifiers: Orphanet 618, MedGen C2751295, MONDO:0013133, OMIM 613099.

gnomAD v4.1: 26 of 1,608,460 alleles (0.0016%); highest among the groups gnomAD compares: Non-Finnish European, 0.002%; no homozygotes.

Submission:

Labcorp Genetics (formerly Invitae), Labcorp
Classification: Uncertain significance for Melanoma, cutaneous malignant, susceptibility to, 5. Last evaluated: 2025-08-13. Review status: criteria provided, single submitter. Criteria: Invitae Variant Classification Sherloc (09022015). Collection method: clinical testing. Allele origin: germline.
Comment: This sequence change replaces aspartic acid, which is acidic and polar, with valine, which is neutral and non-polar, at codon 117 of the MC1R protein (p.Asp117Val). This variant is present in population databases (rs374827260, gnomAD 0.003%). This missense change has been observed in individual(s) with melanoma (PMID: 24982914). An algorithm developed to predict the effect of missense changes on protein structure and function (PolyPhen-2) suggests that this variant is likely to be disruptive. In summary, the available evidence is currently insufficient to determine the role of this variant in disease. Therefore, it has been classified as a Variant of Uncertain Significance.

Literature cited by the submitters: PubMed 24982914.

NM_002386.4(MC1R):c.350A>T (p.Asp117Val)

Gene: MC1R (melanocortin 1 receptor; plus strand). Cytogenetic location: 16q24.3.
Variant type: single nucleotide variant.
Coding change: c.350A>T on transcript NM_002386.4 (MANE Select); coding-DNA position 350, A replaced by T.
Protein change: p.Asp117Val; replaces aspartic acid 117 with valine.
Molecular consequence: missense variant.
Genome position (GRCh38, 1-based): chr16:89,919,608, A>T. VCF-style: chr16-89919608-A-T. GRCh37 (hg19) VCF-style: chr16-89986016-A-T.
Other names: short protein forms D117V.
Identifiers: ClinVar variation 4752371 (VCV004752371.1).